The following is an entry in ClinVar:

ClinVar aggregate classification (germline): Conflicting classifications of pathogenicity. Review status: criteria provided, conflicting classifications (1 of 4 stars). 6 submissions from 6 submitters: Uncertain significance (4); Likely benign (2). Last evaluated 2025-06-18.

Conditions:
Hereditary cancer-predisposing syndrome. Also called: Neoplastic Syndromes, Hereditary; Tumor predisposition; Hereditary Cancer Syndrome; Hereditary neoplastic syndrome. Identifiers: Orphanet 140162, MedGen C0027672, MeSH D009386, MONDO:0015356.
Hereditary breast ovarian cancer syndrome. Also called: BRCA1- and BRCA2-Associated Hereditary Breast and Ovarian Cancer; Hereditary breast and ovarian cancer syndrome; Hereditary breast and ovarian cancer; Hereditary breast and ovarian cancer syndrome (HBOC); Breast and ovarian cancer; Hereditary breast and/or ovarian cancer syndrome. Identifiers: Orphanet 145, MedGen C0677776, MeSH D061325, MONDO:0003582. Disease mechanism: loss of function.

Allele frequency attached by ClinVar (database versions not stated): gnomAD exomes below 0.00001.
gnomAD v4.1: 1 of 1,613,986 alleles (0.000062%); highest among the groups gnomAD compares: African/African-American, 0.0013%; no homozygotes.

Submissions (6):

Color Diagnostics, LLC DBA Color Health
Classification: Uncertain significance for Hereditary cancer-predisposing syndrome. Last evaluated: 2025-06-18. Review status: criteria provided, single submitter. Criteria: ACMG Guidelines, 2015. Collection method: clinical testing. Allele origin: germline.
Comment: This missense variant replaces leucine with valine at codon 998 of the BRCA1 protein. Computational prediction is inconclusive regarding the impact of this variant on protein structure and function. To our knowledge, functional studies have not been reported for this variant. A multifactorial analysis has reported a likelihood ratio for pathogenicity based on personal and family history of 1.631 from log(LR)=0.2125 for one carrier (PMID: 31853058). This variant has not been identified in the general population by the Genome Aggregation Database (gnomAD). The available evidence is insufficient to determine the role of this variant in disease conclusively. Therefore, this variant is classified as a Variant of Uncertain Significance.

ARUP Laboratories, Molecular Genetics and Genomics, ARUP Laboratories
Classification: Likely benign. Last evaluated: 2024-10-08. Review status: criteria provided, single submitter. Criteria: ARUP Molecular Germline Variant Investigation Process 2024. Collection method: clinical testing. Allele origin: germline.

Ambry Genetics
Classification: Uncertain significance for Hereditary cancer-predisposing syndrome. Last evaluated: 2024-06-27. Review status: criteria provided, single submitter. Criteria: Ambry Variant Classification Scheme 2023. Collection method: clinical testing. Allele origin: germline.
Comment: The p.L998V variant (also known as c.2992C>G), located in coding exon 9 of the BRCA1 gene, results from a C to G substitution at nucleotide position 2992. The leucine at codon 998 is replaced by valine, an amino acid with highly similar properties. This amino acid position is well conserved in available vertebrate species. In addition, the in silico prediction for this alteration is inconclusive. Based on the available evidence, the clinical significance of this variant remains unclear.

Labcorp Genetics (formerly Invitae), Labcorp
Classification: Uncertain significance for Hereditary breast ovarian cancer syndrome. Last evaluated: 2024-02-09. Review status: criteria provided, single submitter. Criteria: Invitae Variant Classification Sherloc (09022015). Collection method: clinical testing. Allele origin: germline.
Comment: This sequence change replaces leucine, which is neutral and non-polar, with valine, which is neutral and non-polar, at codon 998 of the BRCA1 protein (p.Leu998Val). This variant is not present in population databases (gnomAD no frequency). This variant has not been reported in the literature in individuals affected with BRCA1-related conditions. ClinVar contains an entry for this variant (Variation ID: 231296). Advanced modeling of protein sequence and biophysical properties (such as structural, functional, and spatial information, amino acid conservation, physicochemical variation, residue mobility, and thermodynamic stability) performed at Invitae indicates that this missense variant is not expected to disrupt BRCA1 protein function with a negative predictive value of 95%. In summary, the available evidence is currently insufficient to determine the role of this variant in disease. Therefore, it has been classified as a Variant of Uncertain Significance.

University of Washington Department of Laboratory Medicine, University of Washington
Classification: Likely benign for Hereditary cancer-predisposing syndrome. Last evaluated: 2023-03-23. Review status: criteria provided, single submitter. Criteria: Dines et al. (Genet Med. 2020). Collection method: curation. Allele origin: germline.
Comment: Missense variant in a coldspot region where missense variants are very unlikely to be pathogenic (PMID:31911673).

BRCA1 coldspot (exon 11 using historical exon numbering). Reclassification based on statistical prior probability

GeneDx
Classification: Uncertain significance. Last evaluated: 2022-10-18. Review status: criteria provided, single submitter. Criteria: GeneDx Variant Classification Process June 2021. Collection method: clinical testing. Allele origin: germline. Affected: yes.
Comment: Not observed at significant frequency in large population cohorts (gnomAD); In silico analysis supports that this missense variant does not alter protein structure/function; Has not been previously published as pathogenic or benign to our knowledge; Also known as 3111C>G; This variant is associated with the following publications: (PMID: 15343273)

Literature cited by the submitters: PubMed 31853058 (cited by Color Diagnostics, LLC DBA Color Health).

NM_007294.4(BRCA1):c.2992C>G (p.Leu998Val)

Gene: BRCA1 (BRCA1 DNA repair associated; minus strand). Cytogenetic location: 17q21.31.
Variant type: single nucleotide variant.
Coding change: c.2992C>G on transcript NM_007294.4 (MANE Select); coding-DNA position 2992, C replaced by G.
Protein change: p.Leu998Val; replaces leucine 998 with valine.
Molecular consequence: missense variant. On other transcripts: intron variant (137).
Genome position (GRCh38, 1-based): chr17:43,092,539, G>C on the plus strand (C>G on the coding strand, the complement: BRCA1 is on the minus strand). VCF-style: chr17-43092539-G-C. GRCh37 (hg19) VCF-style: chr17-41244556-G-C.
Other names: c.2869C>G, p.Leu957Val (NM_001407674.1, NM_001407675.1, NM_001407676.1 and 19 more transcripts); c.2992C>G, p.Leu998Val (NM_001407684.1, NM_001407854.1, NM_001407858.1 and 30 more transcripts); c.2866C>G, p.Leu956Val (NM_001407685.1, NM_001407686.1, NM_001407687.1 and 11 more transcripts); c.2851C>G, p.Leu951Val (NM_001407692.1, NM_001407694.1, NM_001407695.1 and 29 more transcripts); c.2848C>G, p.Leu950Val (NM_001407740.1, NM_001407741.1, NM_001407742.1 and 20 more transcripts); c.2779C>G, p.Leu927Val (NM_001407853.1, NM_001407894.1, NM_001407895.1 and 9 more transcripts); c.2989C>G, p.Leu997Val (NM_001407860.1, NM_001407861.1, NM_001407587.1 and 22 more transcripts); c.2791C>G, p.Leu931Val (NM_001407862.1); and 41 more; short protein forms L998V, L951V, L870V, L871V, L928V, L950V, L971V, L995V.
Identifiers: ClinVar variation 231296 (VCV000231296.19), dbSNP rs876659077, ClinGen allele CA10580585.